The following is an entry in ClinVar:

NM_007289.4(MME):c.1168T>A (p.Ser390Thr)

Gene: MME (membrane metalloendopeptidase; plus strand). Cytogenetic location: 3q25.2.
Variant type: single nucleotide variant.
Coding change: c.1168T>A on transcript NM_007289.4 (MANE Select); coding-DNA position 1168, T replaced by A.
Protein change: p.Ser390Thr; replaces serine 390 with threonine.
Molecular consequence: missense variant.
Genome position (GRCh38, 1-based): chr3:155,142,310, T>A. VCF-style: chr3-155142310-T-A. GRCh37 (hg19) VCF-style: chr3-154860099-T-A.
Other names: c.1168T>A, p.Ser390Thr (NM_000902.5, NM_001354642.2, NM_001354643.1 and 2 more transcripts); short protein forms S390T.
Identifiers: ClinVar variation 2009688 (VCV002009688.4), dbSNP rs2473074958, ClinGen allele CA355130198.

ClinVar aggregate classification (germline): Uncertain significance (1 of 4 stars; one submission).

Submission:

Labcorp Genetics (formerly Invitae), Labcorp
Classification: Uncertain significance. Last evaluated: 2022-06-23. Review status: criteria provided, single submitter. Criteria: Invitae Variant Classification Sherloc (09022015). Collection method: clinical testing. Allele origin: germline.
Comment: This sequence change replaces serine, which is neutral and polar, with threonine, which is neutral and polar, at codon 390 of the MME protein (p.Ser390Thr). This variant is not present in population databases (gnomAD no frequency). In summary, the available evidence is currently insufficient to determine the role of this variant in disease. Therefore, it has been classified as a Variant of Uncertain Significance. Algorithms developed to predict the effect of missense changes on protein structure and function (SIFT, PolyPhen-2, Align-GVGD) all suggest that this variant is likely to be tolerated. This variant has not been reported in the literature in individuals affected with MME-related conditions.